The following is an entry in ClinVar:

ClinVar aggregate classification (germline): Uncertain significance (1 of 4 stars; one submission).

Conditions:
Intellectual disability. Also called: Intellectual functioning disability; intellectual disabilities; Intellectual developmental disorder. Identifiers: MedGen C3714756, MeSH D008607, MONDO:0001071, HP:0001249.

Allele frequency attached by ClinVar (database versions not stated): ExAC 0.00001; gnomAD 0.00001; gnomAD exomes below 0.00001; TOPMed 0.00001.
gnomAD v4.1: 6 of 1,613,838 alleles (0.00037%); highest among the groups gnomAD compares: Non-Finnish European, 0.00051%; no homozygotes.

Submission:

Labcorp Genetics (formerly Invitae), Labcorp
Classification: Uncertain significance for Intellectual disability. Last evaluated: 2023-08-04. Review status: criteria provided, single submitter. Criteria: Invitae Variant Classification Sherloc (09022015). Collection method: clinical testing. Allele origin: germline.
Comment: In summary, the available evidence is currently insufficient to determine the role of this variant in disease. Therefore, it has been classified as a Variant of Uncertain Significance. This sequence change replaces asparagine, which is neutral and polar, with serine, which is neutral and polar, at codon 32 of the GABRB2 protein (p.Asn32Ser). This variant is present in population databases (rs777552213, gnomAD 0.0009%). This variant has not been reported in the literature in individuals affected with GABRB2-related conditions. ClinVar contains an entry for this variant (Variation ID: 2116640). Advanced modeling of protein sequence and biophysical properties (such as structural, functional, and spatial information, amino acid conservation, physicochemical variation, residue mobility, and thermodynamic stability) performed at Invitae indicates that this missense variant is not expected to disrupt GABRB2 protein function.

NM_001371727.1(GABRB2):c.95A>G (p.Asn32Ser)

Gene: GABRB2 (gamma-aminobutyric acid type A receptor subunit beta2; minus strand). Cytogenetic location: 5q34.
Variant type: single nucleotide variant.
Coding change: c.95A>G on transcript NM_001371727.1 (MANE Select); coding-DNA position 95, A replaced by G.
Protein change: p.Asn32Ser; replaces asparagine 32 with serine.
Molecular consequence: missense variant.
Genome position (GRCh38, 1-based): chr5:161,546,396, T>C on the plus strand (A>G on the coding strand, the complement: GABRB2 is on the minus strand). VCF-style: chr5-161546396-T-C. GRCh37 (hg19) VCF-style: chr5-160973402-T-C.
Other names: c.95A>G, p.Asn32Ser (NM_000813.3, NM_021911.3); short protein forms N32S.
Identifiers: ClinVar variation 2116640 (VCV002116640.4), dbSNP rs777552213, ClinGen allele CA3543664.